The following is an entry in ClinVar:

NM_018897.3(DNAH7):c.2637G>T (p.Met879Ile)

Gene: DNAH7 (dynein axonemal heavy chain 7; minus strand). Cytogenetic location: 2q32.3.
Variant type: single nucleotide variant.
Coding change: c.2637G>T on transcript NM_018897.3 (MANE Select); coding-DNA position 2637, G replaced by T.
Protein change: p.Met879Ile; replaces methionine 879 with isoleucine.
Molecular consequence: missense variant.
Genome position (GRCh38, 1-based): chr2:195,960,514, C>A on the plus strand (G>T on the coding strand, the complement: DNAH7 is on the minus strand). VCF-style: chr2-195960514-C-A. GRCh37 (hg19) VCF-style: chr2-196825238-C-A.
Other names: short protein forms M879I.
Identifiers: ClinVar variation 3055489 (VCV003055489.2), dbSNP rs75001760, ClinGen allele CA2036313.

ClinVar aggregate classification (germline): Benign (0 of 4 stars; one submission).

Conditions:
DNAH7-related disorder. Also called: DNAH7-related condition.

Allele frequency attached by ClinVar (database versions not stated): 1000 Genomes Project 30x 0.01171; 1000 Genomes Project 0.01238; TOPMed 0.02451; gnomAD 0.02634; ESP Exome Variant Server 0.02916; ExAC 0.02958; gnomAD exomes 0.03489.
gnomAD v4.1: 54,941 of 1,614,136 alleles (3.4%); highest among the groups gnomAD compares: Non-Finnish European, 3.9%; 1,142 homozygotes.

Submission:

PreventionGenetics, part of Exact Sciences
Classification: Benign for DNAH7-related condition. Last evaluated: 2019-10-21. Review status: no assertion criteria provided. Collection method: clinical testing. Allele origin: germline.
Comment: This variant is classified as benign based on ACMG/AMP sequence variant interpretation guidelines (Richards et al. 2015 PMID: 25741868, with internal and published modifications).